The following is an entry in ClinVar:

ClinVar aggregate classification (germline): Uncertain significance (1 of 4 stars; one submission).

Conditions:
Cardiovascular phenotype. Identifiers: MedGen CN230736.

gnomAD v4.1: 4 of 1,614,064 alleles (0.00025%); highest among the groups gnomAD compares: African/African-American, 0.0013%; no homozygotes.

Submission:

Ambry Genetics
Classification: Uncertain significance for Cardiovascular phenotype. Last evaluated: 2024-05-02. Review status: criteria provided, single submitter. Criteria: Ambry Variant Classification Scheme 2023. Collection method: clinical testing. Allele origin: germline.
Comment: The p.L350V variant (also known as c.1048C>G), located in coding exon 7 of the ABCG8 gene, results from a C to G substitution at nucleotide position 1048. The leucine at codon 350 is replaced by valine, an amino acid with highly similar properties. This amino acid position is conserved. In addition, this alteration is predicted to be tolerated by in silico analysis. Based on the available evidence, the clinical significance of this variant remains unclear.

NM_022437.3(ABCG8):c.1048C>G (p.Leu350Val)

Gene: ABCG8 (ATP binding cassette subfamily G member 8; plus strand). Cytogenetic location: 2p21.
Variant type: single nucleotide variant.
Coding change: c.1048C>G on transcript NM_022437.3 (MANE Select); coding-DNA position 1048, C replaced by G.
Protein change: p.Leu350Val; replaces leucine 350 with valine.
Molecular consequence: missense variant.
Genome position (GRCh38, 1-based): chr2:43,872,059, C>G. VCF-style: chr2-43872059-C-G. GRCh37 (hg19) VCF-style: chr2-44099198-C-G.
Other names: c.1048C>G, p.Leu350Val (NM_001357321.2); short protein forms L350V.
Identifiers: ClinVar variation 3313676 (VCV003313676.1).
Genomic context (GRCh38, chr2:43,872,059, plus strand): 5'-CGCAGCAGAGAGCAGGAATTGGCCACCAGGGAGAAGGCTCAGTCACTCGCAGCCCTGTTT[C>G]TAGAAAAAGTGCGTGACTTAGATGACTTTCTATGGAAAGCAGAGACGAAGGATCTTGACG-3'
Protein context (NP_071882.1, residues 340-360): EKAQSLAALF[Leu350Val]EKVRDLDDFL